The following is an entry in ClinVar:

ClinVar aggregate classification (germline): Uncertain significance. Review status: criteria provided, multiple submitters, no conflicts (2 of 4 stars). 2 submissions from 2 submitters: Uncertain significance (2). Last evaluated 2022-07-13.

Conditions:
Ellis-van Creveld syndrome (EVC). Also called: EVC-Related Ellis-van Creveld Syndrome; EVC2-Related Ellis-van Creveld Syndrome; MESOECTODERMAL DYSPLASIA; Chondroectodermal dysplasia. Identifiers: Orphanet 289, MedGen C0013903, MONDO:0009162, OMIM 225500.
Curry-Hall syndrome (WAD). Also called: WEYERS ACRODENTAL DYSOSTOSIS. Identifiers: Orphanet 952, MedGen C0457013, MONDO:0008673, OMIM 193530.

Allele frequency attached by ClinVar (database versions not stated): TOPMed 0.00001; gnomAD 0.00002 and 0.00003; gnomAD exomes 0.00004; ExAC 0.00006; ESP Exome Variant Server 0.00008; 1000 Genomes Project 30x 0.00016; 1000 Genomes Project 0.00020.
gnomAD v4.1: 32 of 1,612,706 alleles (0.002%); highest among the groups gnomAD compares: Admixed American, 0.0083%; no homozygotes.

Submissions (2):

Labcorp Genetics (formerly Invitae), Labcorp
Classification: Uncertain significance for Curry-Hall syndrome; Ellis-van Creveld syndrome. Last evaluated: 2022-07-13. Review status: criteria provided, single submitter. Criteria: Invitae Variant Classification Sherloc (09022015). Collection method: clinical testing. Allele origin: germline.
Comment: This sequence change replaces arginine, which is basic and polar, with tryptophan, which is neutral and slightly polar, at codon 1019 of the EVC2 protein (p.Arg1019Trp). This variant is present in population databases (rs139610006, gnomAD 0.02%). This variant has not been reported in the literature in individuals affected with EVC2-related conditions. ClinVar contains an entry for this variant (Variation ID: 348991). Algorithms developed to predict the effect of missense changes on protein structure and function are either unavailable or do not agree on the potential impact of this missense change (SIFT: "Deleterious"; PolyPhen-2: "Possibly Damaging"; Align-GVGD: "Class C0"). In summary, the available evidence is currently insufficient to determine the role of this variant in disease. Therefore, it has been classified as a Variant of Uncertain Significance.

Illumina Laboratory Services, Illumina
Classification: Uncertain significance for Ellis-van Creveld syndrome. Last evaluated: 2018-01-13. Review status: criteria provided, single submitter. Criteria: ICSL Variant Classification Criteria 13 December 2019. Collection method: clinical testing. Allele origin: germline.

NM_147127.5(EVC2):c.3055C>T (p.Arg1019Trp)

Gene: EVC2 (EvC ciliary complex subunit 2; minus strand). Cytogenetic location: 4p16.2.
Variant type: single nucleotide variant.
Coding change: c.3055C>T on transcript NM_147127.5 (MANE Select); coding-DNA position 3055, C replaced by T.
Protein change: p.Arg1019Trp; replaces arginine 1019 with tryptophan.
Molecular consequence: missense variant.
Genome position (GRCh38, 1-based): chr4:5,584,625, G>A on the plus strand (C>T on the coding strand, the complement: EVC2 is on the minus strand). VCF-style: chr4-5584625-G-A. GRCh37 (hg19) VCF-style: chr4-5586352-G-A.
Other names: c.2815C>T, p.Arg939Trp (NM_001166136.2); short protein forms R1019W, R939W.
Identifiers: ClinVar variation 348991 (VCV000348991.6), dbSNP rs139610006, ClinGen allele CA2834477.